The following is an entry in ClinVar:

ClinVar aggregate classification (germline): Uncertain significance (1 of 4 stars; one submission).

Conditions:
Sulfite oxidase deficiency. Also called: Isolated sulfite oxidase deficiency. Identifiers: Orphanet 833, Orphanet 99731, MedGen C0268624, MONDO:0010089, OMIM 272300, HP:0003643.

Allele frequency attached by ClinVar (database versions not stated): gnomAD exomes below 0.00001; ExAC 0.00001; TOPMed 0.00002.

Submission:

Labcorp Genetics (formerly Invitae), Labcorp
Classification: Uncertain significance for Sulfite oxidase deficiency. Last evaluated: 2024-01-09. Review status: criteria provided, single submitter. Criteria: Invitae Variant Classification Sherloc (09022015). Collection method: clinical testing. Allele origin: germline.
Comment: This sequence change replaces alanine, which is neutral and non-polar, with glycine, which is neutral and non-polar, at codon 138 of the SUOX protein (p.Ala138Gly). This variant is not present in population databases (gnomAD no frequency). This variant has not been reported in the literature in individuals affected with SUOX-related conditions. ClinVar contains an entry for this variant (Variation ID: 1507002). Advanced modeling of protein sequence and biophysical properties (such as structural, functional, and spatial information, amino acid conservation, physicochemical variation, residue mobility, and thermodynamic stability) performed at Invitae indicates that this missense variant is not expected to disrupt SUOX protein function with a negative predictive value of 80%. In summary, the available evidence is currently insufficient to determine the role of this variant in disease. Therefore, it has been classified as a Variant of Uncertain Significance.

NM_001032386.2(SUOX):c.413C>G (p.Ala138Gly)

Gene: SUOX (sulfite oxidase; plus strand). Cytogenetic location: 12q13.2.
Variant type: single nucleotide variant.
Coding change: c.413C>G on transcript NM_001032386.2 (MANE Select); coding-DNA position 413, C replaced by G.
Protein change: p.Ala138Gly; replaces alanine 138 with glycine.
Molecular consequence: missense variant.
Genome position (GRCh38, 1-based): chr12:56,003,802, C>G. VCF-style: chr12-56003802-C-G. GRCh37 (hg19) VCF-style: chr12-56397586-C-G.
Other names: c.413C>G, p.Ala138Gly (NM_000456.3, NM_001032387.2); short protein forms A138G.
Identifiers: ClinVar variation 1507002 (VCV001507002.7), dbSNP rs752262396, ClinGen allele CA6620976.